The following is an entry in ClinVar:

NC_012920.1(MT-ND1):m.3772A>G

Gene: MT-ND1 (mitochondrially encoded NADH dehydrogenase 1; plus strand).
Variant type: single nucleotide variant.
Genome position: chrM-3772-A-G.
Identifiers: ClinVar variation 692399 (VCV000692399.1), dbSNP rs1603219135, ClinGen allele CA414773475.

ClinVar aggregate classification (germline): Uncertain significance (1 of 4 stars; one submission).

Conditions:
Leigh syndrome (NULS). Also called: Leigh's necrotizing encephalopathy; Leigh's disease; Leigh Syndrome (mtDNA deletion); Leigh Disease; Subacute necrotizing encephalopathy; Necrotizing encephalopathy infantile subacute of Leigh. Identifiers: Orphanet 506, MedGen C2931891, MONDO:0009723, OMIM 256000.

Submission:

Wong Mito Lab, Molecular and Human Genetics, Baylor College of Medicine
Classification: Uncertain significance for Leigh syndrome. Last evaluated: 2019-10-17. Review status: criteria provided, single submitter. Criteria: Modified ACMG Guidelines (Unpublished). Collection method: clinical testing. Allele origin: germline.
Comment: The NC_012920.1:m.3772A>G (YP_003024026.1:p.Met156Val) variant in MTND1 gene is interpretated to be a Uncertain Significance variant based on the modified ACMG guidelines (unpublished). This variant meets the following evidence codes: PP7, BP6